The following is an entry in ClinVar:

NM_000222.3(KIT):c.1880-20A>C

Gene: KIT (KIT proto-oncogene, receptor tyrosine kinase; plus strand). Cytogenetic location: 4q12.
Variant type: single nucleotide variant.
Coding change: c.1880-20A>C on transcript NM_000222.3 (MANE Select); 20 bases into the intron before coding-DNA position 1880, A replaced by C.
Molecular consequence: intron variant.
Genome position (GRCh38, 1-based): chr4:54,727,991, A>C. VCF-style: chr4-54727991-A-C. GRCh37 (hg19) VCF-style: chr4-55594157-A-C.
Other names: c.1883-20A>C (NM_001385284.1, NM_001385290.1); c.1871-20A>C (NM_001385288.1, NM_001385292.1); c.1880-20A>C (NM_001385285.1); c.1868-20A>C (NM_001093772.2, NM_001385286.1).
Identifiers: ClinVar variation 1627615 (VCV001627615.9), dbSNP rs2109780946, ClinGen allele CA2573138230.
Genomic context (GRCh38, chr4:54,727,991, plus strand): 5'-AGTTCCTGTATGGTACTGCATGCGCTTGACATCAGTTTGCCAGTTGTGCTTTTTGCTAAA[A>C]TGCATGTTTCCAATTTTAGCGAGTGCCCATTTGACAGAACGGGAAGCCCTCATGTCTGAA-3'

ClinVar aggregate classification (germline): Likely benign. Review status: criteria provided, multiple submitters, no conflicts (2 of 4 stars). 2 submissions from 2 submitters: Likely benign (2). Last evaluated 2026-05-27.

Conditions:
Gastrointestinal stromal tumor. Also called: Gastrointestinal stromal tumor, somatic; Gastrointestinal stroma tumor. Identifiers: Orphanet 44890, MedGen C0238198, MeSH D046152, MONDO:0011719, OMIM 606764, HP:0100723.

Submissions (2):

Myriad Genetics, Inc.
Classification: Likely benign for Gastrointestinal stromal tumor. Last evaluated: 2026-05-27. Review status: criteria provided, single submitter. Criteria: Myriad Autosomal Dominant, Autosomal Recessive and X-Linked Classification Criteria (2023). Collection method: clinical testing. Allele origin: unknown.
Comment: This variant is considered likely benign. This variant is intronic and is not expected to impact mRNA splicing.

Labcorp Genetics (formerly Invitae), Labcorp
Classification: Likely benign for Gastrointestinal stromal tumor. Last evaluated: 2022-02-20. Review status: criteria provided, single submitter. Criteria: Invitae Variant Classification Sherloc (09022015). Collection method: clinical testing. Allele origin: germline.